The following is an entry in ClinVar:

NM_017635.5(KMT5B):c.1723_1725del (p.Ser575del)

Gene: KMT5B (lysine methyltransferase 5B; minus strand). Cytogenetic location: 11q13.2.
Variant type: Deletion.
Coding change: c.1723_1725del on transcript NM_017635.5 (MANE Select); coding-DNA positions 1723 to 1725, 3 bases deleted (AGT; older notation c.1723_1725delAGT).
Protein change: p.Ser575del; deletes serine 575.
Molecular consequence: inframe deletion.
Genome position (GRCh38, 1-based): chr11:68,158,621-68,158,623, ACT deleted on the plus strand (AGT on the coding strand, the reverse complement: KMT5B is on the minus strand). VCF-style (leftmost placement, unchanged base first): chr11-68158620-CACT-C. GRCh37 (hg19) VCF-style: chr11-67926087-CACT-C.
Other names: c.1207_1209del, p.Ser403del (NM_001369430.1, NM_001369431.1, NM_001369432.1 and 4 more transcripts); c.1003_1005del, p.Ser335del (NM_001300908.2); c.1723_1725del, p.Ser575del (NM_001369426.1); short protein forms S335del, S403del, S575del.
Identifiers: ClinVar variation 2642033 (VCV002642033.24), dbSNP rs373030307, ClinGen allele CA6148128.
Genomic context (GRCh38, chr11:68,158,620, plus strand): 5'-GTGCAGTCTCATGAGCCAGTTCTTCCTCCTGCAGCACAGGAGCTGGCTGCAGCTGTTCAC[CACT>C]GTCGGGGCAAGGTTCCGTCACACTGCTTTTATAGCCATTCAACGTATTTGGTTCAAGCTT-3'

ClinVar aggregate classification (germline): Likely benign (1 of 4 stars; one submission).

Allele frequency attached by ClinVar (database versions not stated): TOPMed 0.00006; gnomAD 0.00029; gnomAD exomes 0.00059; ExAC 0.00124; 1000 Genomes Project 30x 0.00250; 1000 Genomes Project 0.00300.

Submission:

CeGaT Center for Human Genetics Tuebingen
Classification: Likely benign. Last evaluated: 2026-08-01. Review status: criteria provided, single submitter. Criteria: CeGaT Center For Human Genetics Tuebingen Variant Classification Criteria Version 2. Collection method: clinical testing. Allele origin: germline. Affected: yes. Observed: 2 variant alleles.
Comment: KMT5B: PM4:Supporting, BS2